The following is an entry in ClinVar:

NM_002528.7(NTHL1):c.330_334del (p.Cys110_Asp112delinsTer)

Gene: NTHL1 (nth like DNA glycosylase 1; minus strand). Cytogenetic location: 16p13.3.
Variant type: Deletion.
Coding change: c.330_334del on transcript NM_002528.7 (MANE Select); coding-DNA positions 330 to 334, 5 bases deleted (CTATG; older notation c.330_334delCTATG).
Protein change: p.Cys110_Asp112delinsTer.
Molecular consequence: nonsense. On other transcripts: intron variant (1).
Genome position (GRCh38, 1-based): chr16:2,046,148-2,046,152, CATAG deleted on the plus strand (CTATG on the coding strand, the reverse complement: NTHL1 is on the minus strand); deleting any 5 consecutive bases within chr16:2,046,148-2,046,154 gives the same sequence; the c. name uses the placement nearest the transcript's 3' end. VCF-style (leftmost placement, unchanged base first): chr16-2046147-TCATAG-T. GRCh37 (hg19) VCF-style: chr16-2096148-TCATAG-T.
Other names: c.330_334del, p.Cys110_Asp112delinsTer (NM_001318193.2); c.24+128_24+132del (NM_001318194.2).
Identifiers: ClinVar variation 4876071 (VCV004876071.1).
Genomic context (GRCh38, chr16:2,046,147, plus strand): 5'-TAAGATGGGGGGTCATCTGGGCAGATGGGGCCCCTGCCTACCTTTGGGGGGGCACTGGAG[TCATAG>T]CAGTGCTCAGTCCCCAGATGGTCCACAGGTGCATCCTTTTTGTTCCTCATGGCACGGATG-3'

ClinVar aggregate classification (germline): Pathogenic (1 of 4 stars; one submission).

Conditions:
Familial adenomatous polyposis 3. Also called: NTHL1-associated polyposis; NTHL1-Related Adenomatous Polyposis and Colorectal Cancer; NTHL1 Tumor Syndrome; NTHL1-related attenuated familial adenomatous polyposis. Identifiers: Orphanet 220460, Orphanet 454840, MedGen C4225157, MONDO:0014630, OMIM 616415.

Submission:

Myriad Genetics, Inc.
Classification: Pathogenic for Familial adenomatous polyposis 3. Last evaluated: 2026-06-01. Review status: criteria provided, single submitter. Criteria: Myriad Autosomal Dominant, Autosomal Recessive and X-Linked Classification Criteria (2023). Collection method: clinical testing. Allele origin: unknown.
Comment: This variant is considered pathogenic. This variant creates a termination codon and is predicted to result in premature protein truncation.